The following is an entry in ClinVar:

ClinVar aggregate classification (germline): Benign/Likely benign. Review status: criteria provided, multiple submitters, no conflicts (2 of 4 stars). 9 submissions from 9 submitters: Benign (1); Likely benign (7). 1 of the submissions does not count toward it. Last evaluated 2025-11-17.

Conditions:
RAD50-related disorder. Also called: RAD50-related condition.
Hereditary cancer-predisposing syndrome. Also called: Tumor predisposition; Neoplastic Syndromes, Hereditary; Hereditary neoplastic syndrome; Hereditary Cancer Syndrome. Identifiers: Orphanet 140162, MedGen C0027672, MeSH D009386, MONDO:0015356.
Nijmegen breakage syndrome-like disorder (NBSLD). Also called: MICROCEPHALY AND SPONTANEOUS CHROMOSOME INSTABILITY WITHOUT IMMUNODEFICIENCY; NBS-LIKE DISORDER; RAD50 DEFICIENCY. Identifiers: Orphanet 240760, MedGen C2751318, MONDO:0013118, OMIM 613078.

Allele frequency attached by ClinVar (database versions not stated): ExAC 0.00008; 1000 Genomes Project 30x 0.00016; 1000 Genomes Project 0.00020; gnomAD 0.00022; ESP Exome Variant Server 0.00023; TOPMed 0.00027.
gnomAD v4.1: 75 of 1,608,822 alleles (0.0047%); highest among the groups gnomAD compares: African/African-American, 0.083%; no homozygotes.

Submissions (9):

Labcorp Genetics (formerly Invitae), Labcorp
Classification: Likely benign for Hereditary cancer-predisposing syndrome. Last evaluated: 2025-11-17. Review status: criteria provided, single submitter. Criteria: Invitae Variant Classification Sherloc (09022015). Collection method: clinical testing. Allele origin: germline.

KCCC/NGS Laboratory, Kuwait Cancer Control Center
Classification: Benign for Nijmegen breakage syndrome-like disorder. Last evaluated: 2025-02-01. Review status: criteria provided, single submitter. Criteria: ACMG Guidelines, 2015. Collection method: clinical testing. Allele origin: germline. Affected: no.

Blueprint Genetics
Classification: Likely benign. Last evaluated: 2024-09-12. Review status: criteria provided, single submitter. Criteria: ACMG Guidelines, 2015. Collection method: clinical testing. Allele origin: germline.

Quest Diagnostics Nichols Institute San Juan Capistrano
Classification: Likely benign. Last evaluated: 2023-05-01. Review status: criteria provided, single submitter. Criteria: Quest Diagnostics criteria. Collection method: clinical testing. Allele origin: unknown.

Sema4
Classification: Likely benign for Nijmegen breakage syndrome-like disorder. Last evaluated: 2022-01-22. Review status: criteria provided, single submitter. Criteria: Sema4 Curation Guidelines. Collection method: curation. Allele origin: germline.

Fulgent Genetics
Classification: Likely benign for Nijmegen breakage syndrome-like disorder. Last evaluated: 2021-11-10. Review status: criteria provided, single submitter. Criteria: ACMG Guidelines, 2015. Collection method: clinical testing. Allele origin: unknown.

Women's Health and Genetics/Laboratory Corporation of America, LabCorp
Classification: Likely benign. Last evaluated: 2020-10-15. Review status: criteria provided, single submitter. Criteria: LabCorp Variant Classification Summary - May 2015. Collection method: clinical testing. Allele origin: germline.

Ambry Genetics
Classification: Likely benign for Hereditary cancer-predisposing syndrome. Last evaluated: 2014-09-04. Review status: criteria provided, single submitter. Criteria: Ambry Variant Classification Scheme 2023. Collection method: clinical testing. Allele origin: germline.

PreventionGenetics, part of Exact Sciences
Classification: Likely benign for RAD50-related condition. Last evaluated: 2019-11-05. Review status: no assertion criteria provided. Collection method: clinical testing. Allele origin: germline. Not counted in ClinVar's aggregate classification.
Comment: This variant is classified as likely benign based on ACMG/AMP sequence variant interpretation guidelines (Richards et al. 2015 PMID: 25741868, with internal and published modifications).

NM_005732.4(RAD50):c.1677C>T (p.His559=)

Gene: RAD50 (RAD50 double strand break repair protein; plus strand). Cytogenetic location: 5q31.1.
Variant type: single nucleotide variant.
Coding change: c.1677C>T on transcript NM_005732.4 (MANE Select); coding-DNA position 1677, C replaced by T.
Protein change: p.His559=; no amino-acid change (histidine 559 retained).
Molecular consequence: synonymous variant.
Genome position (GRCh38, 1-based): chr5:132,591,918, C>T. VCF-style: chr5-132591918-C-T. GRCh37 (hg19) VCF-style: chr5-131927610-C-T.
Identifiers: ClinVar variation 186084 (VCV000186084.24), dbSNP rs142619269, ClinGen allele CA333891.